The following is an entry in ClinVar:

ClinVar aggregate classification (germline): Likely benign (0 of 4 stars; one submission).

Conditions:
CRB2-related disorder. Also called: CRB2-related disorders; CRB2-related condition.

Submission:

PreventionGenetics, part of Exact Sciences
Classification: Likely benign for CRB2-related condition. Last evaluated: 2022-10-18. Review status: no assertion criteria provided. Collection method: clinical testing. Allele origin: germline.
Comment: This variant is classified as likely benign based on ACMG/AMP sequence variant interpretation guidelines (Richards et al. 2015 PMID: 25741868, with internal and published modifications).

NM_173689.7(CRB2):c.3565C>A (p.Arg1189=)

Gene: CRB2 (crumbs cell polarity complex component 2; plus strand). Cytogenetic location: 9q33.3.
Variant type: single nucleotide variant.
Coding change: c.3565C>A on transcript NM_173689.7 (MANE Select); coding-DNA position 3565, C replaced by A.
Protein change: p.Arg1189=; no amino-acid change (arginine 1189 retained).
Molecular consequence: synonymous variant. On other transcripts: non-coding transcript variant (1).
Genome position (GRCh38, 1-based): chr9:123,375,275, C>A. VCF-style: chr9-123375275-C-A. GRCh37 (hg19) VCF-style: chr9-126137554-C-A.
Identifiers: ClinVar variation 3036678 (VCV003036678.2), dbSNP rs767661644, ClinGen allele CA467088929.